The following is an entry in ClinVar:

NM_001457.4(FLNB):c.3923A>G (p.Tyr1308Cys)

Gene: FLNB (filamin B; plus strand). Cytogenetic location: 3p14.3.
Variant type: single nucleotide variant.
Coding change: c.3923A>G on transcript NM_001457.4 (MANE Select); coding-DNA position 3923, A replaced by G.
Protein change: p.Tyr1308Cys; replaces tyrosine 1308 with cysteine.
Molecular consequence: missense variant.
Genome position (GRCh38, 1-based): chr3:58,125,605, A>G. VCF-style: chr3-58125605-A-G. GRCh37 (hg19) VCF-style: chr3-58111332-A-G.
Other names: c.3923A>G, p.Tyr1308Cys (NM_001164317.2, NM_001164318.2, NM_001164319.2); short protein forms Y1308C.
Identifiers: ClinVar variation 1721407 (VCV001721407.5), dbSNP rs2471131429, ClinGen allele CA353349812.

ClinVar aggregate classification (germline): Uncertain significance (1 of 4 stars; one submission).

Allele frequency attached by ClinVar (database versions not stated): gnomAD exomes below 0.00001.

Submission:

Labcorp Genetics (formerly Invitae), Labcorp
Classification: Uncertain significance. Last evaluated: 2022-10-10. Review status: criteria provided, single submitter. Criteria: Invitae Variant Classification Sherloc (09022015). Collection method: clinical testing. Allele origin: germline.
Comment: In summary, the available evidence is currently insufficient to determine the role of this variant in disease. Therefore, it has been classified as a Variant of Uncertain Significance. Advanced modeling of protein sequence and biophysical properties (such as structural, functional, and spatial information, amino acid conservation, physicochemical variation, residue mobility, and thermodynamic stability) performed at Invitae indicates that this missense variant is not expected to disrupt FLNB protein function. This variant has not been reported in the literature in individuals affected with FLNB-related conditions. This variant is not present in population databases (gnomAD no frequency). This sequence change replaces tyrosine, which is neutral and polar, with cysteine, which is neutral and slightly polar, at codon 1308 of the FLNB protein (p.Tyr1308Cys).